The following is an entry in ClinVar:

NM_001128840.3(CACNA1D):c.3165C>G (p.Cys1055Trp)

Gene: CACNA1D (calcium voltage-gated channel subunit alpha1 D; plus strand). Cytogenetic location: 3p21.1.
Variant type: single nucleotide variant.
Coding change: c.3165C>G on transcript NM_001128840.3 (MANE Select); coding-DNA position 3165, C replaced by G.
Protein change: p.Cys1055Trp; replaces cysteine 1055 with tryptophan.
Molecular consequence: missense variant.
Genome position (GRCh38, 1-based): chr3:53,745,873, C>G. VCF-style: chr3-53745873-C-G. GRCh37 (hg19) VCF-style: chr3-53779900-C-G.
Other names: c.3225C>G, p.Cys1075Trp (NM_000720.4); c.3165C>G, p.Cys1055Trp (NM_001128839.3); short protein forms C1055W, C1075W.
Identifiers: ClinVar variation 3373586 (VCV003373586.1).

ClinVar aggregate classification (germline): Uncertain significance (1 of 4 stars; one submission).

Submission:

GeneDx
Classification: Uncertain significance. Last evaluated: 2024-02-29. Review status: criteria provided, single submitter. Criteria: GeneDx Variant Classification Process June 2021. Collection method: clinical testing. Allele origin: germline. Affected: yes.
Comment: Not observed at significant frequency in large population cohorts (gnomAD); In silico analysis supports that this missense variant has a deleterious effect on protein structure/function; Has not been previously published as pathogenic or benign to our knowledge